The following is an entry in ClinVar:

NM_201384.3(PLEC):c.12426C>G (p.Val4142=)

Gene: PLEC (plectin; minus strand). Cytogenetic location: 8q24.3.
Variant type: single nucleotide variant.
Coding change: c.12426C>G on transcript NM_201384.3 (MANE Select); coding-DNA position 12426, C replaced by G.
Protein change: p.Val4142=; no amino-acid change (valine 4142 retained).
Molecular consequence: synonymous variant.
Genome position (GRCh38, 1-based): chr8:143,917,395, G>C on the plus strand (C>G on the coding strand, the complement: PLEC is on the minus strand). VCF-style: chr8-143917395-G-C. GRCh37 (hg19) VCF-style: chr8-144991563-G-C.
Other names: c.12507C>G, p.Val4169= (NM_000445.5); c.9126C>G, p.Val3042= (NM_001410941.1); c.12384C>G, p.Val4128= (NM_201378.4); c.12360C>G, p.Val4120= (NM_201379.3); c.12837C>G, p.Val4279= (NM_201380.4); c.12330C>G, p.Val4110= (NM_201381.3); c.12426C>G, p.Val4142= (NM_201382.4); c.12438C>G, p.Val4146= (NM_201383.3).
Identifiers: ClinVar variation 3030808 (VCV003030808.4), dbSNP rs782565083, ClinGen allele CA4924088.
Genomic context (GRCh38, chr8:143,917,395, plus strand): 5'-CAGGCCCTTGCGGTAGGCCTCGTACACTGACATCTCCTTGCCCGTCTCGGGGTCCACGAT[G>C]ACCACTCGGCGCTTGCGCACGGAGGACTTGGAGGACGTCTTCCGCTCCCGCTTCTTCTCC-3'
Protein context (NP_958786.1, residues 4132-4152): SKSSVRKRRV[Val4142=]IVDPETGKEM

ClinVar aggregate classification (germline): Likely benign. Review status: criteria provided, single submitter (1 of 4 stars). 2 submissions from 2 submitters: Likely benign (1). 1 of the submissions does not count toward it. Last evaluated 2024-11-27.

Conditions:
Epidermolysis bullosa simplex 5B, with muscular dystrophy (EBS5B). Also called: EPIDERMOLYSIS BULLOSA SIMPLEX AND LIMB-GIRDLE MUSCULAR DYSTROPHY; Epidermolysis bullosa simplex with muscular dystrophy. Identifiers: Orphanet 257, MedGen C2931072, MONDO:0009181, OMIM 226670.
Epidermolysis bullosa simplex, Ogna type (EBS5A). Also called: Pidermolysis bullosa simplex 5A, Ogna type; EPIDERMOLYSIS BULLOSA SIMPLEX 5A, OGNA TYPE. Identifiers: Orphanet 79401, MedGen C0432317, MONDO:0007555, OMIM 131950.
Autosomal recessive limb-girdle muscular dystrophy type 2Q (LGMDR17). Also called: MUSCULAR DYSTROPHY, LIMB-GIRDLE, AUTOSOMAL RECESSIVE 17. Identifiers: Orphanet 254361, MedGen C3150989, MONDO:0013390, OMIM 613723.
Epidermolysis bullosa simplex 5C, with pyloric atresia (EBS5C). Also called: PLEC-Related Epidermolysis Bullosa with Pyloric Atresia; Epidermolysis bullosa simplex with pyloric atresia; PLEC1-Related Epidermolysis Bullosa with Pyloric Atresia. Identifiers: Orphanet 158684, MedGen C2677349, MONDO:0012807, OMIM 612138.
Epidermolysis bullosa simplex with nail dystrophy (EBS5D). Identifiers: MedGen C4225309, MONDO:0014661, OMIM 616487.
PLEC-related disorder. Also called: PLEC-related condition; PLEC-related disorders.

Allele frequency attached by ClinVar (database versions not stated): TOPMed below 0.00001; ExAC 0.00001; gnomAD 0.00001; gnomAD exomes 0.00001.
gnomAD v4.1: 11 of 1,612,088 alleles (0.00068%); highest among the groups gnomAD compares: African/African-American, 0.0013%; no homozygotes.

Submissions (2):

Labcorp Genetics (formerly Invitae), Labcorp
Classification: Likely benign for Autosomal recessive limb-girdle muscular dystrophy type 2Q; Epidermolysis bullosa simplex, Ogna type; Epidermolysis bullosa simplex with nail dystrophy; Epidermolysis bullosa simplex 5C, with pyloric atresia; Epidermolysis bullosa simplex 5B, with muscular dystrophy. Last evaluated: 2024-11-27. Review status: criteria provided, single submitter. Criteria: Invitae Variant Classification Sherloc (09022015). Collection method: clinical testing. Allele origin: germline.

PreventionGenetics, part of Exact Sciences
Classification: Likely benign for PLEC-related condition. Last evaluated: 2021-04-02. Review status: no assertion criteria provided. Collection method: clinical testing. Allele origin: germline. Not counted in ClinVar's aggregate classification.
Comment: This variant is classified as likely benign based on ACMG/AMP sequence variant interpretation guidelines (Richards et al. 2015 PMID: 25741868, with internal and published modifications).